The following is an entry in ClinVar:

ClinVar aggregate classification (germline): Uncertain significance (1 of 4 stars; one submission).

Conditions:
Cohen syndrome (COH1). Also called: PEPPER SYNDROME; Cutis verticis gyrata, retinitis pigmentosa, and sensorineural deafness. Identifiers: Orphanet 193, MedGen C0265223, MONDO:0008999, OMIM 216550.

Allele frequency attached by ClinVar (database versions not stated): ExAC 0.00001; gnomAD 0.00001; gnomAD exomes 0.00001; TOPMed 0.00001.
gnomAD v4.1: 14 of 1,613,906 alleles (0.00087%); highest among the groups gnomAD compares: South Asian, 0.0066%; no homozygotes.

Submission:

Labcorp Genetics (formerly Invitae), Labcorp
Classification: Uncertain significance for Cohen syndrome. Last evaluated: 2022-07-03. Review status: criteria provided, single submitter. Criteria: Invitae Variant Classification Sherloc (09022015). Collection method: clinical testing. Allele origin: germline.
Comment: This sequence change replaces methionine, which is neutral and non-polar, with valine, which is neutral and non-polar, at codon 2967 of the VPS13B protein (p.Met2967Val). This variant is present in population databases (rs752484886, gnomAD 0.006%). This variant has not been reported in the literature in individuals affected with VPS13B-related conditions. ClinVar contains an entry for this variant (Variation ID: 1411802). Algorithms developed to predict the effect of missense changes on protein structure and function are either unavailable or do not agree on the potential impact of this missense change (SIFT: "Not Available"; PolyPhen-2: "Benign"; Align-GVGD: "Not Available"). Algorithms developed to predict the effect of sequence changes on RNA splicing suggest that this variant may create or strengthen a splice site. In summary, the available evidence is currently insufficient to determine the role of this variant in disease. Therefore, it has been classified as a Variant of Uncertain Significance.

NM_152564.5(VPS13B):c.8824A>G (p.Met2942Val)

Gene: VPS13B (vacuolar protein sorting 13 homolog B; plus strand). Cytogenetic location: 8q22.2.
Variant type: single nucleotide variant.
Coding change: c.8824A>G on transcript NM_152564.5 (MANE Select); coding-DNA position 8824, A replaced by G.
Protein change: p.Met2942Val; replaces methionine 2942 with valine.
Molecular consequence: missense variant.
Genome position (GRCh38, 1-based): chr8:99,819,952, A>G. VCF-style: chr8-99819952-A-G. GRCh37 (hg19) VCF-style: chr8-100832180-A-G.
Other names: c.8899A>G, p.Met2967Val (NM_017890.5); short protein forms M2967V, M2942V.
Identifiers: ClinVar variation 1411802 (VCV001411802.5), dbSNP rs752484886, ClinGen allele CA4824574.